The following is an entry in ClinVar:

NM_017780.4(CHD7):c.7684C>T (p.Gln2562Ter)

Gene: CHD7 (chromodomain helicase DNA binding protein 7; plus strand). Cytogenetic location: 8q12.2.
Variant type: single nucleotide variant.
Coding change: c.7684C>T on transcript NM_017780.4 (MANE Select); coding-DNA position 7684, C replaced by T.
Protein change: p.Gln2562Ter; replaces glutamine 2562 with a stop codon.
Molecular consequence: nonsense. On other transcripts: intron variant (1).
Genome position (GRCh38, 1-based): chr8:60,860,979, C>T. VCF-style: chr8-60860979-C-T. GRCh37 (hg19) VCF-style: chr8-61773538-C-T.
Other names: c.1717-1250C>T (NM_001316690.1); short protein forms Q2562*.
Identifiers: ClinVar variation 1069987 (VCV001069987.7), dbSNP rs1563669203, ClinGen allele CA371304434.

ClinVar aggregate classification (germline): Pathogenic (1 of 4 stars; one submission).

Conditions:
CHARGE syndrome (CHARGE). Also called: Hittner Hirsch Kreh syndrome; CHARGE ASSOCIATION--COLOBOMA, HEART ANOMALY, CHOANAL ATRESIA, RETARDATION, GENITAL AND EAR ANOMALIES; Coloboma, heart anomaly, choanal atresia, retardation, genital and ear anomalies; CHARGE association; Hall-Hittner syndrome. Identifiers: Orphanet 138, MedGen C0265354, MONDO:0008965.

Submission:

Labcorp Genetics (formerly Invitae), Labcorp
Classification: Pathogenic for CHARGE syndrome. Last evaluated: 2020-09-21. Review status: criteria provided, single submitter. Criteria: Invitae Variant Classification Sherloc (09022015). Collection method: clinical testing. Allele origin: germline.
Comment: For these reasons, this variant has been classified as Pathogenic. Loss-of-function variants in CHD7 are known to be pathogenic (PMID: 22461308, 25077900). This variant has not been reported in the literature in individuals with CHD7-related conditions. This variant is not present in population databases (ExAC no frequency). This sequence change creates a premature translational stop signal (p.Gln2562*) in the CHD7 gene. It is expected to result in an absent or disrupted protein product.

Literature cited by the submitters: PubMed 22461308; PubMed 25077900.